The following is an entry in ClinVar:

NM_031407.7(HUWE1):c.6632A>G (p.Asn2211Ser)

Gene: HUWE1 (HECT, UBA and WWE domain containing E3 ubiquitin protein ligase 1; minus strand). Cytogenetic location: Xp11.22.
Variant type: single nucleotide variant.
Coding change: c.6632A>G on transcript NM_031407.7 (MANE Select); coding-DNA position 6632, A replaced by G.
Protein change: p.Asn2211Ser; replaces asparagine 2211 with serine.
Molecular consequence: missense variant.
Genome position (GRCh38, 1-based): chrX:53,568,767, T>C on the plus strand (A>G on the coding strand, the complement: HUWE1 is on the minus strand). VCF-style: chrX-53568767-T-C. GRCh37 (hg19) VCF-style: chrX-53595727-T-C.
Other names: short protein forms N2211S.
Identifiers: ClinVar variation 208791 (VCV000208791.3), dbSNP rs797044958, ClinGen allele CA204918.

ClinVar aggregate classification (germline): Uncertain significance (1 of 4 stars; one submission).

Conditions:
Inborn genetic diseases. Identifiers: MedGen C0950123, MeSH D030342.

Allele frequency attached by ClinVar (database versions not stated): gnomAD exomes 0.00001; TOPMed below 0.00001.
gnomAD v4.1: 12 of 1,211,003 alleles (0.00099%); highest among the groups gnomAD compares: Non-Finnish European, 0.0013%; no homozygotes.

Submission:

Ambry Genetics
Classification: Uncertain significance for Inborn genetic diseases. Last evaluated: 2013-11-21. Review status: criteria provided, single submitter. Criteria: Ambry Autosomal Dominant and X-Linked criteria (10/2015). Collection method: clinical testing. Allele origin: germline. Observed: 1 variant allele.
Comment: There is insufficient or conflicting evidence for classification of this alteration.